The following is an entry in ClinVar:

ClinVar aggregate classification (germline): Uncertain significance (1 of 4 stars; one submission).

Allele frequency attached by ClinVar (database versions not stated): gnomAD exomes 0.00001.
gnomAD v4.1: 15 of 1,513,862 alleles (0.00099%); highest among the groups gnomAD compares: Non-Finnish European, 0.0013%; no homozygotes.

Submission:

GeneDx
Classification: Uncertain significance. Last evaluated: 2021-06-23. Review status: criteria provided, single submitter. Criteria: GeneDx Variant Classification Process June 2021. Collection method: clinical testing. Allele origin: germline. Affected: yes.
Comment: Not observed at significant frequency in large population cohorts (Lek et al., 2016); In silico analysis supports that this missense variant has a deleterious effect on protein structure/function; Has not been previously published as pathogenic or benign to our knowledge

NM_001145026.2(PTPRQ):c.6073C>T (p.Pro2025Ser)

Gene: PTPRQ (protein tyrosine phosphatase receptor type Q; plus strand). Cytogenetic location: 12q21.31.
Variant type: single nucleotide variant.
Coding change: c.6073C>T on transcript NM_001145026.2 (MANE Select); coding-DNA position 6073, C replaced by T.
Protein change: p.Pro2025Ser; replaces proline 2025 with serine.
Molecular consequence: missense variant.
Genome position (GRCh38, 1-based): chr12:80,652,792, C>T. VCF-style: chr12-80652792-C-T. GRCh37 (hg19) VCF-style: chr12-81046571-C-T.
Other names: short protein forms P2025S.
Identifiers: ClinVar variation 1329647 (VCV001329647.2), dbSNP rs766740639, ClinGen allele CA385935382.